The following is an entry in ClinVar:

ClinVar aggregate classification (germline): Likely pathogenic (1 of 4 stars; one submission).

Conditions:
Autosomal recessive limb-girdle muscular dystrophy type 2J (LGMDR10). Also called: Limb-girdle muscular dystrophy, type 2J; MUSCULAR DYSTROPHY, LIMB-GIRDLE, AUTOSOMAL RECESSIVE 10. Identifiers: Orphanet 140922, MedGen C1837342, MONDO:0012127, OMIM 608807.
Dilated cardiomyopathy 1G (CMD1G). Identifiers: Orphanet 154, MedGen C1858763, MONDO:0011400, OMIM 604145.

Submission:

Labcorp Genetics (formerly Invitae), Labcorp
Classification: Likely pathogenic for Dilated cardiomyopathy 1G; Autosomal recessive limb-girdle muscular dystrophy type 2J. Last evaluated: 2026-01-04. Review status: criteria provided, single submitter. Criteria: Invitae Variant Classification Sherloc (09022015). Collection method: clinical testing. Allele origin: germline.
Comment: This sequence change creates a premature translational stop signal (p.Leu3884*) in the TTN gene. While this is not anticipated to result in nonsense mediated decay, it is expected to create a truncated TTN protein. This variant is not present in population databases (gnomAD no frequency). This variant has not been reported in the literature in individuals affected with TTN-related conditions. This variant is located in the I band of TTN (PMID: 25589632). Truncating variants in this region have been reported in individuals affected with autosomal recessive centronuclear myopathy (PMID: 23975875, internal data). Truncating variants in this region have also been identified in individuals affected with autosomal dominant dilated cardiomyopathy and/or cardio-related conditions (PMID: 27869827, 32964742, internal data). In summary, the currently available evidence indicates that the variant is pathogenic, but additional data are needed to prove that conclusively. Therefore, this variant has been classified as Likely Pathogenic.

Literature cited by the submitters: PubMed 25589632; PubMed 23975875; PubMed 27869827; PubMed 32964742.

NM_001267550.2(TTN):c.11651T>A (p.Leu3884Ter)

Gene: TTN (titin; minus strand). Cytogenetic location: 2q31.2.
Variant type: single nucleotide variant.
Coding change: c.11651T>A on transcript NM_001267550.2 (MANE Select); coding-DNA position 11651, T replaced by A.
Protein change: p.Leu3884Ter; replaces leucine 3884 with a stop codon.
Molecular consequence: nonsense. On other transcripts: intron variant (1).
Genome position (GRCh38, 1-based): chr2:178,741,582, A>T on the plus strand (T>A on the coding strand, the complement: TTN is on the minus strand). VCF-style: chr2-178741582-A-T. GRCh37 (hg19) VCF-style: chr2-179606309-A-T.
Other names: c.10700T>A, p.Leu3567Ter (NM_001256850.1); c.10562T>A, p.Leu3521Ter (NM_003319.4); c.10937T>A, p.Leu3646Ter (NM_133432.3); c.11138T>A, p.Leu3713Ter (NM_133437.4); c.10361-3222T>A (NM_133378.4); short protein forms L3521*, L3567*, L3884*, L3713*, L3646*.
Identifiers: ClinVar variation 4791534 (VCV004791534.1).